The following is an entry in ClinVar:

ClinVar aggregate classification (germline): Uncertain significance. Review status: criteria provided, multiple submitters, no conflicts (2 of 4 stars). 2 submissions from 2 submitters: Uncertain significance (2). Last evaluated 2025-12-01.

Conditions:
Inborn genetic diseases. Identifiers: MedGen C0950123, MeSH D030342.

Allele frequency attached by ClinVar (database versions not stated): gnomAD 0.00003.
gnomAD v4.1: 13 of 1,614,138 alleles (0.00081%); highest among the groups gnomAD compares: Non-Finnish European, 0.0011%; no homozygotes.

Submissions (2):

Labcorp Genetics (formerly Invitae), Labcorp
Classification: Uncertain significance. Last evaluated: 2025-12-01. Review status: criteria provided, single submitter. Criteria: Invitae Variant Classification Sherloc (09022015). Collection method: clinical testing. Allele origin: germline.
Comment: This sequence change replaces alanine, which is neutral and non-polar, with valine, which is neutral and non-polar, at codon 23 of the NDUFS4 protein (p.Ala23Val). This variant is present in population databases (no rsID available, gnomAD 0.01%). This variant has not been reported in the literature in individuals affected with NDUFS4-related conditions. ClinVar contains an entry for this variant (Variation ID: 2055845). An algorithm developed to predict the effect of missense changes on protein structure and function (PolyPhen-2) suggests that this variant is likely to be tolerated. In summary, the available evidence is currently insufficient to determine the role of this variant in disease. Therefore, it has been classified as a Variant of Uncertain Significance.

Ambry Genetics
Classification: Uncertain significance for Inborn genetic diseases. Last evaluated: 2025-09-05. Review status: criteria provided, single submitter. Criteria: Ambry Variant Classification Scheme 2023. Collection method: clinical testing. Allele origin: germline.

NM_002495.4(NDUFS4):c.68C>T (p.Ala23Val)

Genes: NDUFS4 (NADH:ubiquinone oxidoreductase subunit S4; plus strand), LOC129993885 (ATAC-STARR-seq lymphoblastoid active region 22547; plus strand). Cytogenetic location: 5q11.2.
Variant type: single nucleotide variant.
Coding change: c.68C>T on transcript NM_002495.4 (MANE Select); coding-DNA position 68, C replaced by T.
Protein change: p.Ala23Val; replaces alanine 23 with valine.
Molecular consequence: missense variant. On other transcripts: non-coding transcript variant (3).
Genome position (GRCh38, 1-based): chr5:53,560,730, C>T. VCF-style: chr5-53560730-C-T. GRCh37 (hg19) VCF-style: chr5-52856560-C-T.
Other names: c.68C>T, p.Ala23Val (NM_001318051.2); c.68C>T (NM_002495.2); short protein forms A23V.
Identifiers: ClinVar variation 2055845 (VCV002055845.5), dbSNP rs747850140, ClinGen allele CA119095869.